The following is an entry in ClinVar:

NM_032444.4(SLX4):c.4156C>T (p.Gln1386Ter)

Gene: SLX4 (SLX4 structure-specific endonuclease subunit; minus strand). Cytogenetic location: 16p13.3.
Variant type: single nucleotide variant.
Coding change: c.4156C>T on transcript NM_032444.4 (MANE Select); coding-DNA position 4156, C replaced by T.
Protein change: p.Gln1386Ter; replaces glutamine 1386 with a stop codon.
Molecular consequence: nonsense.
Genome position (GRCh38, 1-based): chr16:3,589,482, G>A on the plus strand (C>T on the coding strand, the complement: SLX4 is on the minus strand). VCF-style: chr16-3589482-G-A. GRCh37 (hg19) VCF-style: chr16-3639483-G-A.
Other names: short protein forms Q1386*.
Identifiers: ClinVar variation 965438 (VCV000965438.8), dbSNP rs1374549534, ClinGen allele CA394518309.
Genomic context (GRCh38, chr16:3,589,482, plus strand): 5'-AGGCCACCTCCTGCTCATCGTCACTGTCTCCGACTTCCACCACTTCACCCGCTGGGGTCT[G>A]GTTCAGGAAGCTTGGCCCAGGCGGCGAGTGTTTCAGGAACCGCCTGCTGAAGTGGGCGCG-3'

ClinVar aggregate classification (germline): Pathogenic/Likely pathogenic. Review status: criteria provided, multiple submitters, no conflicts (2 of 4 stars). 2 submissions from 2 submitters: Pathogenic (1); Likely pathogenic (1). Last evaluated 2024-07-06.

Conditions:
Fanconi anemia complementation group P. Also called: SLX4-Related Fanconi Anemia. Identifiers: Orphanet 84, MedGen C3469542, MONDO:0013499, OMIM 613951.
Fanconi anemia (FA). Also called: Fanconi's anemia. Identifiers: Orphanet 84, MedGen C0015625, MeSH D005199, MONDO:0019391.

Allele frequency attached by ClinVar (database versions not stated): gnomAD exomes below 0.00001; TOPMed 0.00001.
gnomAD v4.1: 3 of 1,610,246 alleles (0.00019%); highest among the groups gnomAD compares: Non-Finnish European, 0.00025%; no homozygotes.

Submissions (2):

Labcorp Genetics (formerly Invitae), Labcorp
Classification: Pathogenic for Fanconi anemia. Last evaluated: 2024-07-06. Review status: criteria provided, single submitter. Criteria: Invitae Variant Classification Sherloc (09022015). Collection method: clinical testing. Allele origin: germline.
Comment: This sequence change creates a premature translational stop signal (p.Gln1386*) in the SLX4 gene. It is expected to result in an absent or disrupted protein product. Loss-of-function variants in SLX4 are known to be pathogenic (PMID: 21240277). This variant is not present in population databases (gnomAD no frequency). This variant has not been reported in the literature in individuals affected with SLX4-related conditions. ClinVar contains an entry for this variant (Variation ID: 965438). For these reasons, this variant has been classified as Pathogenic.

Fulgent Genetics
Classification: Likely pathogenic for Fanconi anemia complementation group P. Last evaluated: 2024-02-16. Review status: criteria provided, single submitter. Criteria: ACMG Guidelines, 2015. Collection method: clinical testing. Allele origin: germline.

Literature cited by the submitters: PubMed 21240277 (cited by Labcorp Genetics (formerly Invitae), Labcorp).